The following is an entry in ClinVar:

ClinVar aggregate classification (germline): Uncertain significance (1 of 4 stars; one submission).

Submission:

Labcorp Genetics (formerly Invitae), Labcorp
Classification: Uncertain significance. Last evaluated: 2026-01-08. Review status: criteria provided, single submitter. Criteria: Invitae Variant Classification Sherloc (09022015). Collection method: clinical testing. Allele origin: germline.
Comment: This sequence change replaces cysteine, which is neutral and slightly polar, with phenylalanine, which is neutral and non-polar, at codon 1028 of the SEC24D protein (p.Cys1028Phe). This variant is not present in population databases (gnomAD no frequency). This variant has not been reported in the literature in individuals affected with SEC24D-related conditions. An algorithm developed to predict the effect of missense changes on protein structure and function (PolyPhen-2) suggests that this variant is likely to be tolerated. In summary, the available evidence is currently insufficient to determine the role of this variant in disease. Therefore, it has been classified as a Variant of Uncertain Significance.

NM_014822.4(SEC24D):c.3083G>T (p.Cys1028Phe)

Gene: SEC24D (SEC24 homolog D, COPII component; minus strand). Cytogenetic location: 4q26.
Variant type: single nucleotide variant.
Coding change: c.3083G>T on transcript NM_014822.4 (MANE Select); coding-DNA position 3083, G replaced by T.
Protein change: p.Cys1028Phe; replaces cysteine 1028 with phenylalanine.
Molecular consequence: missense variant.
Genome position (GRCh38, 1-based): chr4:118,723,531, C>A on the plus strand (G>T on the coding strand, the complement: SEC24D is on the minus strand). VCF-style: chr4-118723531-C-A. GRCh37 (hg19) VCF-style: chr4-119644686-C-A.
Other names: c.3086G>T, p.Cys1029Phe (NM_001318066.2); short protein forms C1028F, C1029F.
Identifiers: ClinVar variation 4734874 (VCV004734874.1).